The following is an entry in ClinVar:

ClinVar aggregate classification (germline): Uncertain significance (1 of 4 stars; one submission).

Conditions:
X-linked severe combined immunodeficiency (SCIDX1). Also called: IMMUNODEFICIENCY 4; SCID, X-LINKED; SEVERE COMBINED IMMUNODEFICIENCY, X-LINKED, T CELL-NEGATIVE, B CELL-POSITIVE, NK CELL-NEGATIVE; T-B+ severe combined immunodeficiency due to gamma chain deficiency; X-Linked Combined Immunodeficiency Diseases. Identifiers: Orphanet 276, MedGen C6022468, MONDO:0010315, OMIM 300400. Disease mechanism: loss of function.

Submission:

Labcorp Genetics (formerly Invitae), Labcorp
Classification: Uncertain significance for X-linked severe combined immunodeficiency. Last evaluated: 2021-08-17. Review status: criteria provided, single submitter. Criteria: Invitae Variant Classification Sherloc (09022015). Collection method: clinical testing. Allele origin: germline.
Comment: In summary, the available evidence is currently insufficient to determine the role of this variant in disease. Therefore, it has been classified as a Variant of Uncertain Significance. This sequence change replaces leucine with proline at codon 11 of the IL2RG protein (p.Leu11Pro). The leucine residue is moderately conserved and there is a moderate physicochemical difference between leucine and proline. Advanced modeling of protein sequence and biophysical properties (such as structural, functional, and spatial information, amino acid conservation, physicochemical variation, residue mobility, and thermodynamic stability) performed at Invitae indicates that this missense variant is not expected to disrupt IL2RG protein function. This variant has not been reported in the literature in individuals affected with IL2RG-related conditions. This variant is not present in population databases (ExAC no frequency).

NM_000206.3(IL2RG):c.32T>C (p.Leu11Pro)

Genes: IL2RG (interleukin 2 receptor subunit gamma; minus strand), LOC126863274 (MED14-independent group 3 enhancer GRCh37_chrX:70330888-70332087; plus strand). Cytogenetic location: Xq13.1.
Variant type: single nucleotide variant.
Coding change: c.32T>C on transcript NM_000206.3 (MANE Select); coding-DNA position 32, T replaced by C.
Protein change: p.Leu11Pro; replaces leucine 11 with proline.
Molecular consequence: missense variant.
Genome position (GRCh38, 1-based): chrX:71,111,508, A>G on the plus strand (T>C on the coding strand, the complement: IL2RG is on the minus strand). VCF-style: chrX-71111508-A-G. GRCh37 (hg19) VCF-style: chrX-70331358-A-G.
Other names: short protein forms L11P.
Identifiers: ClinVar variation 1484103 (VCV001484103.6), dbSNP rs1204738180, ClinGen allele CA413497734.